The following is an entry in ClinVar:

ClinVar aggregate classification (germline): Uncertain significance. Review status: criteria provided, multiple submitters, no conflicts (2 of 4 stars). 2 submissions from 2 submitters: Uncertain significance (2). Last evaluated 2025-03-03.

gnomAD v4.1: 48 of 1,612,100 alleles (0.003%); highest among the groups gnomAD compares: Non-Finnish European, 0.0038%; no homozygotes.

Submissions (2):

Ambry Genetics
Classification: Uncertain significance. Last evaluated: 2025-03-03. Review status: criteria provided, single submitter. Criteria: Ambry Variant Classification Scheme 2023. Collection method: clinical testing. Allele origin: germline.

Labcorp Genetics (formerly Invitae), Labcorp
Classification: Uncertain significance. Last evaluated: 2024-10-05. Review status: criteria provided, single submitter. Criteria: Invitae Variant Classification Sherloc (09022015). Collection method: clinical testing. Allele origin: germline.
Comment: This sequence change replaces arginine, which is basic and polar, with histidine, which is basic and polar, at codon 48 of the RPL27 protein (p.Arg48His). This variant is present in population databases (rs754021880, gnomAD 0.006%). This variant has not been reported in the literature in individuals affected with RPL27-related conditions. An algorithm developed to predict the effect of missense changes on protein structure and function (PolyPhen-2) suggests that this variant is likely to be tolerated. In summary, the available evidence is currently insufficient to determine the role of this variant in disease. Therefore, it has been classified as a Variant of Uncertain Significance.

NM_000988.5(RPL27):c.143G>A (p.Arg48His)

Gene: RPL27 (ribosomal protein L27; plus strand). Cytogenetic location: 17q21.31.
Variant type: single nucleotide variant.
Coding change: c.143G>A on transcript NM_000988.5 (MANE Select); coding-DNA position 143, G replaced by A.
Protein change: p.Arg48His; replaces arginine 48 with histidine.
Molecular consequence: missense variant.
Genome position (GRCh38, 1-based): chr17:42,999,994, G>A. VCF-style: chr17-42999994-G-A. GRCh37 (hg19) VCF-style: chr17-41152011-G-A.
Other names: c.143G>A (NM_000988.3); c.143G>A, p.Arg48His (NM_001349921.2, NM_001349922.2); short protein forms R48H.
Identifiers: ClinVar variation 3700927 (VCV003700927.3).